The following is an entry in ClinVar:

ClinVar aggregate classification (germline): Pathogenic (1 of 4 stars; one submission).

Conditions:
Spastic paraplegia. Identifiers: MedGen C0037772, HP:0001258.

Allele frequency attached by ClinVar (database versions not stated): gnomAD exomes below 0.00001; ExAC 0.00001; gnomAD 0.00001.

Submission:

Labcorp Genetics (formerly Invitae), Labcorp
Classification: Pathogenic for Spastic paraplegia. Last evaluated: 2023-12-09. Review status: criteria provided, single submitter. Criteria: Invitae Variant Classification Sherloc (09022015). Collection method: clinical testing. Allele origin: germline.
Comment: This sequence change creates a premature translational stop signal (p.Val214*) in the ZFYVE26 gene. It is expected to result in an absent or disrupted protein product. Loss-of-function variants in ZFYVE26 are known to be pathogenic (PMID: 18394578, 19805727). This variant is present in population databases (rs769826925, gnomAD 0.007%). This variant has not been reported in the literature in individuals affected with ZFYVE26-related conditions. For these reasons, this variant has been classified as Pathogenic.

Literature cited by the submitters: PubMed 18394578; PubMed 19805727.

NM_015346.4(ZFYVE26):c.636del (p.Gly213_Val214insTer)

Gene: ZFYVE26 (zinc finger FYVE-type containing 26; minus strand). Cytogenetic location: 14q24.1.
Variant type: Deletion.
Coding change: c.636del on transcript NM_015346.4 (MANE Select); coding-DNA position 636, one base deleted (T; older notation c.636delT).
Protein change: p.Gly213_Val214insTer.
Molecular consequence: frameshift variant.
Genome position (GRCh38, 1-based): chr14:67,807,648, A deleted on the plus strand (T on the coding strand, the reverse complement: ZFYVE26 is on the minus strand). VCF-style (leftmost placement, unchanged base first): chr14-67807647-CA-C. GRCh37 (hg19) VCF-style: chr14-68274364-CA-C.
Identifiers: ClinVar variation 2743550 (VCV002743550.3), dbSNP rs769826925, ClinGen allele CA7240750.